The following is an entry in ClinVar:

NM_004463.3(FGD1):c.540C>A (p.Ile180=)

Gene: FGD1 (FYVE, RhoGEF and PH domain containing 1; minus strand). Cytogenetic location: Xp11.22.
Variant type: single nucleotide variant.
Coding change: c.540C>A on transcript NM_004463.3 (MANE Select); coding-DNA position 540, C replaced by A.
Protein change: p.Ile180=; no amino-acid change (isoleucine 180 retained).
Molecular consequence: synonymous variant.
Genome position (GRCh38, 1-based): chrX:54,470,702, G>T on the plus strand (C>A on the coding strand, the complement: FGD1 is on the minus strand). VCF-style: chrX-54470702-G-T. GRCh37 (hg19) VCF-style: chrX-54497135-G-T.
Identifiers: ClinVar variation 1701601 (VCV001701601.31), dbSNP rs1922870069, ClinGen allele CA516574442.
Genomic context (GRCh38, chrX:54,470,702, plus strand): 5'-GGGAGCCAGGCCCTTGGCCACTCGGGGGTCGGCAGGCAGTGGGCGTGATGGTGGAGGGGG[G>T]ATGGGCTCCAGTGGGGGGGGCATCCGGGGCATCTGCAGGTAGCTGGGCTTTGGGGGCACT-3'
Protein context (NP_004454.2, residues 170-190): MPRMPPPLEP[Ile180=]PPPPSRPLPA

ClinVar aggregate classification (germline): Likely benign (1 of 4 stars; one submission).

gnomAD v4.1: 5 of 742,089 alleles (0.00067%); highest among the groups gnomAD compares: Non-Finnish European, 0.00098%; no homozygotes.

Submission:

CeGaT Center for Human Genetics Tuebingen
Classification: Likely benign. Last evaluated: 2022-07-01. Review status: criteria provided, single submitter. Criteria: CeGaT Center For Human Genetics Tuebingen Variant Classification Criteria Version 2. Collection method: clinical testing. Allele origin: germline. Affected: yes. Observed: 1 variant allele.
Comment: FGD1: PM2:Supporting, BP4, BP7